The following is an entry in ClinVar:

ClinVar aggregate classification (germline): Likely benign (1 of 4 stars; one submission).

Conditions:
SLCO1B3-related disorder. Also called: SLCO1B3-related condition.

gnomAD v4.1: 1 of 1,612,730 alleles (0.000062%); highest among the groups gnomAD compares: Admixed American, 0.0017%; no homozygotes.

Submission:

PreventionGenetics, part of Exact Sciences
Classification: Likely benign for SLCO1B3-related condition. Last evaluated: 2026-06-18. Review status: criteria provided, single submitter. Criteria: ACMG Guidelines, 2015. Collection method: clinical testing. Allele origin: germline.
Comment: This variant is classified as likely benign based on ACMG/AMP sequence variant interpretation guidelines (Richards et al. 2015 PMID: 25741868, with internal and published modifications).

NM_019844.4(SLCO1B3):c.855A>G (p.Lys285=)

Genes: SLCO1B3 (solute carrier organic anion transporter family member 1B3; plus strand), SLCO1B3-SLCO1B7 (SLCO1B3-SLCO1B7 readthrough; plus strand). Cytogenetic location: 12p12.2.
Variant type: single nucleotide variant.
Coding change: c.855A>G on transcript NM_019844.4 (MANE Select); coding-DNA position 855, A replaced by G.
Protein change: p.Lys285=; no amino-acid change (lysine 285 retained).
Molecular consequence: synonymous variant.
Genome position (GRCh38, 1-based): chr12:20,875,362, A>G. VCF-style: chr12-20875362-A-G. GRCh37 (hg19) VCF-style: chr12-21028296-A-G.
Other names: c.855A>G, p.Lys285= (NM_001371097.1); c.771A>G, p.Lys257= (NM_001349920.2).
Identifiers: ClinVar variation 4987641 (VCV004987641.1).